The following is an entry in ClinVar:

ClinVar aggregate classification (germline): Likely benign (0 of 4 stars; one submission).

Conditions:
MPZL2-related disorder. Also called: MPZL2-related condition.

Submission:

PreventionGenetics, part of Exact Sciences
Classification: Likely benign for MPZL2-related condition. Last evaluated: 2019-04-03. Review status: no assertion criteria provided. Collection method: clinical testing. Allele origin: germline.
Comment: This variant is classified as likely benign based on ACMG/AMP sequence variant interpretation guidelines (Richards et al. 2015 PMID: 25741868, with internal and published modifications).

NM_005797.4(MPZL2):c.*2A>C

Gene: MPZL2 (myelin protein zero like 2; minus strand). Cytogenetic location: 11q23.3.
Variant type: single nucleotide variant.
Coding change: c.*2A>C on transcript NM_005797.4 (MANE Select); 2 bases downstream of the stop codon, A replaced by C.
Molecular consequence: 3 prime UTR variant.
Genome position (GRCh38, 1-based): chr11:118,257,248, T>G on the plus strand (A>C on the coding strand, the complement: MPZL2 is on the minus strand). VCF-style: chr11-118257248-T-G. GRCh37 (hg19) VCF-style: chr11-118127963-T-G.
Other names: c.*2A>C (NM_144765.3).
Identifiers: ClinVar variation 3057272 (VCV003057272.2), dbSNP rs2496771317, ClinGen allele CA2740093221.